The following is an entry in ClinVar:

NM_000138.5(FBN1):c.1495T>A (p.Cys499Ser)

Gene: FBN1 (fibrillin 1; minus strand). Cytogenetic location: 15q21.1.
Variant type: single nucleotide variant.
Coding change: c.1495T>A on transcript NM_000138.5 (MANE Select); coding-DNA position 1495, T replaced by A.
Protein change: p.Cys499Ser; replaces cysteine 499 with serine.
Molecular consequence: missense variant.
Genome position (GRCh38, 1-based): chr15:48,513,642, A>T on the plus strand (T>A on the coding strand, the complement: FBN1 is on the minus strand). VCF-style: chr15-48513642-A-T. GRCh37 (hg19) VCF-style: chr15-48805839-A-T.
Other names: short protein forms C499S.
Identifiers: ClinVar variation 846906 (VCV000846906.9), dbSNP rs2043778680, ClinGen allele CA392342703.

ClinVar aggregate classification (germline): Pathogenic (1 of 4 stars; one submission).

Conditions:
Familial thoracic aortic aneurysm and aortic dissection (TAAD). Also called: Thoracic aortic aneurysms and dissections. Identifiers: Orphanet 91387, MedGen C4707243, MONDO:0019625.
Marfan syndrome (MFS). Also called: FBN1-Related Marfan Syndrome; Marfan's syndrome; MARFAN SYNDROME, TYPE I; Marfan syndrome type 1; Marfan syndrome, classic. Identifiers: Orphanet 284963, Orphanet 558, MedGen C0024796, MONDO:0007947, OMIM 154700.

Submission:

Labcorp Genetics (formerly Invitae), Labcorp
Classification: Pathogenic for Marfan syndrome; Familial thoracic aortic aneurysm and aortic dissection. Last evaluated: 2019-05-07. Review status: criteria provided, single submitter. Criteria: Invitae Variant Classification Sherloc (09022015). Collection method: clinical testing. Allele origin: germline.
Comment: For these reasons, this variant has been classified as Pathogenic. This variant affects a cysteine residue in the EGF-like, TGFBP or hybrid motif domains of FBN1. Cysteine residues are believed to be involved in intramolecular disulfide bridges and have been shown to be important for FBN1 protein structure (PMID: 16905551, 19349279). In addition, missense substitutions affecting cysteine residues within these domains are significantly overrepresented among patients with Marfan syndrome (PMID: 16571647, 17701892). This variant has been observed in individuals affected with Marfan syndrome or thoracic aortic aneurysm (PMID: 18471089, 28855619, 22772377, Invitae). This variant is not present in population databases (ExAC no frequency). This sequence change replaces cysteine with serine at codon 499 of the FBN1 protein (p.Cys499Ser). The cysteine residue is highly conserved and there is a moderate physicochemical difference between cysteine and serine.

Literature cited by the submitters: PubMed 16905551; PubMed 19349279; PubMed 16571647; PubMed 17701892; PubMed 18471089; PubMed 28855619; PubMed 22772377.